The following is an entry in ClinVar:

NM_005502.4(ABCA1):c.6588G>C (p.Gln2196His)

Genes: ABCA1 (ATP binding cassette subfamily A member 1; minus strand), NIPSNAP3B (nipsnap homolog 3B; plus strand). Cytogenetic location: 9q31.1.
Variant type: single nucleotide variant.
Coding change: c.6588G>C on transcript NM_005502.4 (MANE Select); coding-DNA position 6588, G replaced by C.
Protein change: p.Gln2196His; replaces glutamine 2196 with histidine.
Molecular consequence: missense variant.
Genome position (GRCh38, 1-based): chr9:104,785,453, C>G on the plus strand (G>C on the coding strand, the complement: ABCA1 is on the minus strand). VCF-style: chr9-104785453-C-G. GRCh37 (hg19) VCF-style: chr9-107547734-C-G.
Other names: p.Gln2196His; c.6588G>C (NM_005502.3); short protein forms Q2196H.
Identifiers: ClinVar variation 2043561 (VCV002043561.6), dbSNP rs564764153, ClinGen allele CA5167510.

ClinVar aggregate classification (germline): Conflicting classifications of pathogenicity. Review status: criteria provided, conflicting classifications (1 of 4 stars). 3 submissions from 3 submitters: Uncertain significance (2); Likely benign (1). Last evaluated 2025-12-17.

Conditions:
Cardiovascular phenotype. Identifiers: MedGen CN230736.

Allele frequency attached by ClinVar (database versions not stated): ExAC 0.00016; gnomAD exomes 0.00019; 1000 Genomes Project 0.00020; gnomAD 0.00020; TOPMed 0.00026.
gnomAD v4.1: 292 of 1,580,968 alleles (0.018%); highest among the groups gnomAD compares: Non-Finnish European, 0.021%; no homozygotes.

Submissions (3):

Labcorp Genetics (formerly Invitae), Labcorp
Classification: Likely benign. Last evaluated: 2025-12-17. Review status: criteria provided, single submitter. Criteria: Invitae Variant Classification Sherloc (09022015). Collection method: clinical testing. Allele origin: germline.

Ambry Genetics
Classification: Uncertain significance for Cardiovascular phenotype. Last evaluated: 2025-07-11. Review status: criteria provided, single submitter. Criteria: Ambry Variant Classification Scheme 2023. Collection method: clinical testing. Allele origin: germline.
Comment: The p.Q2196H variant (also known as c.6588G>C), located in coding exon 48 of the ABCA1 gene, results from a G to C substitution at nucleotide position 6588. The glutamine at codon 2196 is replaced by histidine, an amino acid with highly similar properties. This variant was reported in individual(s) in a HDL deficiency cohort (Pisciotta L et al. Atherosclerosis, 2004 Feb;172:309-20). This amino acid position is not well conserved in available vertebrate species. In addition, the in silico prediction for this alteration is inconclusive. Based on the available evidence, the clinical significance of this variant remains unclear.

Mayo Clinic Laboratories, Mayo Clinic
Classification: Uncertain significance. Last evaluated: 2023-03-07. Review status: criteria provided, single submitter. Criteria: ACMG Guidelines, 2015. Collection method: clinical testing. Allele origin: germline. Observed: 1 variant allele.
Comment: PM2

Literature cited by the submitters: PubMed 15019541 (cited by Ambry Genetics and Mayo Clinic Laboratories, Mayo Clinic); PubMed 25215231 (cited by Mayo Clinic Laboratories, Mayo Clinic); PubMed 32041611 (cited by Mayo Clinic Laboratories, Mayo Clinic).